The following is an entry in ClinVar:

ClinVar aggregate classification (germline): Conflicting classifications of pathogenicity. Review status: criteria provided, conflicting classifications (1 of 4 stars). 5 submissions from 5 submitters: Uncertain significance (4); Likely benign (1). Last evaluated 2025-09-07.

Conditions:
Hereditary cancer-predisposing syndrome. Also called: Neoplastic Syndromes, Hereditary; Tumor predisposition; Hereditary Cancer Syndrome; Hereditary neoplastic syndrome. Identifiers: Orphanet 140162, MedGen C0027672, MeSH D009386, MONDO:0015356.
Familial adenomatous polyposis 2. Also called: Adenomas, multiple colorectal; COLORECTAL ADENOMATOUS POLYPOSIS, AUTOSOMAL RECESSIVE; ADENOMAS, MULTIPLE COLORECTAL, AUTOSOMAL RECESSIVE; MYH-associated polyposis; MUTYH Polyposis; FAP type 2. Identifiers: Orphanet 220460, Orphanet 247798, MedGen C3272841, MONDO:0012041, OMIM 608456.

Allele frequency attached by ClinVar (database versions not stated): TOPMed 0.00001.

Submissions (5):

Labcorp Genetics (formerly Invitae), Labcorp
Classification: Uncertain significance for Familial adenomatous polyposis 2. Last evaluated: 2025-09-07. Review status: criteria provided, single submitter. Criteria: Invitae Variant Classification Sherloc (09022015). Collection method: clinical testing. Allele origin: germline.
Comment: This sequence change replaces valine, which is neutral and non-polar, with leucine, which is neutral and non-polar, at codon 329 of the MUTYH protein (p.Val329Leu). This variant is not present in population databases (gnomAD no frequency). This variant has not been reported in the literature in individuals affected with MUTYH-related conditions. ClinVar contains an entry for this variant (Variation ID: 184935). An algorithm developed to predict the effect of missense changes on protein structure and function (PolyPhen-2) suggests that this variant is likely to be tolerated. In summary, the available evidence is currently insufficient to determine the role of this variant in disease. Therefore, it has been classified as a Variant of Uncertain Significance.

Ambry Genetics
Classification: Likely benign for Hereditary cancer-predisposing syndrome. Last evaluated: 2024-07-24. Review status: criteria provided, single submitter. Criteria: Ambry Variant Classification Scheme 2023. Collection method: clinical testing. Allele origin: germline.

GeneDx
Classification: Uncertain significance. Last evaluated: 2023-07-28. Review status: criteria provided, single submitter. Criteria: GeneDx Variant Classification Process June 2021. Collection method: clinical testing. Allele origin: germline. Affected: yes.
Comment: Not observed at significant frequency in large population cohorts (gnomAD); Has not been previously published as pathogenic or benign to our knowledge; This variant is associated with the following publications: (PMID: 16879101, 20816984)

All of Us Research Program, National Institutes of Health
Classification: Uncertain significance for Familial adenomatous polyposis 2. Last evaluated: 2023-02-10. Review status: criteria provided, single submitter. Criteria: ACMG Guidelines, 2015. Collection method: clinical testing. Allele origin: germline. Inheritance: Autosomal recessive inheritance. Observed: 1 variant allele, 1 heterozygote.
Comment: This missense variant replaces valine with leucine at codon 329 of the MUTYH protein. Computational prediction suggests that this variant may not impact protein structure and function (internally defined REVEL score threshold <= 0.5, PMID: 27666373). To our knowledge, functional studies have not been reported for this variant. This variant has not been reported in individuals affected with hereditary cancer in the literature. This variant has not been identified in the general population by the Genome Aggregation Database (gnomAD). The available evidence is insufficient to determine the role of this variant in disease conclusively. Therefore, this variant is classified as a Variant of Uncertain Significance.

This study involves interpretation of variants in research participants for the purpose of population health screening. Participant phenotype was not available at the time of variant classification. Additional details can be found in publication PMID: 35346344, PMCID: PMC8962531

Laboratory for Molecular Medicine, Mass General Brigham Personalized Medicine
Classification: Uncertain significance. Last evaluated: 2017-04-03. Review status: criteria provided, single submitter. Criteria: LMM Criteria. Collection method: clinical testing. Allele origin: germline. Observed: 1 variant allele.
Comment: The p.Val329Leu variant in MUTYH has not been previously reported in individuals with MUTYH-associated cancers, but has been reported in ClinVar (Variation ID 1 84935). This variant was absent from large population studies. Computational pre diction tools and conservation analysis suggest that the p.Val329Leu variant may not impact the protein, though this information is not predictive enough to rul e out pathogenicity. In summary, the clinical significance of the p.Val329Leu va riant is uncertain.

NM_001048174.2(MUTYH):c.901G>T (p.Val301Leu)

Gene: MUTYH (mutY DNA glycosylase; minus strand). Cytogenetic location: 1p34.1.
Variant type: single nucleotide variant.
Coding change: c.901G>T on transcript NM_001048174.2 (MANE Select); coding-DNA position 901, G replaced by T.
Protein change: p.Val301Leu; replaces valine 301 with leucine.
Molecular consequence: missense variant. On other transcripts: non-coding transcript variant (2).
Genome position (GRCh38, 1-based): chr1:45,332,035, C>A on the plus strand (G>T on the coding strand, the complement: MUTYH is on the minus strand). VCF-style: chr1-45332035-C-A. GRCh37 (hg19) VCF-style: chr1-45797707-C-A.
Other names: c.901G>T, p.Val301Leu (NM_001048171.2, NM_001048173.2, NM_001293195.2); c.904G>T, p.Val302Leu (NM_001048172.2); c.985G>T, p.Val329Leu (NM_001128425.2); c.946G>T, p.Val316Leu (NM_001293190.2); c.934G>T, p.Val312Leu (NM_001293191.2); c.625G>T, p.Val209Leu (NM_001293192.2, NM_001293196.2); c.556G>T, p.Val186Leu (NM_001350650.2, NM_001350651.2); c.976G>T, p.Val326Leu (NM_012222.3); short protein forms V329L, V209L, V302L, V312L, V316L, V301L, V326L, V186L.
Identifiers: ClinVar variation 184935 (VCV000184935.21), dbSNP rs147718169, ClinGen allele CA014781.
Genomic context (GRCh38, chr1:45,332,035, plus strand): 5'-CTGACTGGGCCAGGAAGGGTTGGGGTGGGGGCTAGGTTTGGTGCTCACCACACTCCTCCA[C>A]GTCAGGACTGCCCGACAGGCTCCCTGAGGCTAAGAGCTGTTCCTGCTCCACCTGAGAGGC-3'
Protein context (NP_001041639.1, residues 291-311): ASGSLSGSPD[Val301Leu]EECAPNTGQC